The following is an entry in ClinVar:

ClinVar aggregate classification (germline): Pathogenic. Review status: criteria provided, multiple submitters, no conflicts (2 of 4 stars). 4 submissions from 4 submitters: Pathogenic (4). Last evaluated 2024-01-11.

Conditions:
Familial cancer of breast. Also called: Hereditary breast cancer; hereditary breast carcinoma; BREAST CANCER, FAMILIAL. Identifiers: Orphanet 227535, MedGen C0346153, MONDO:0016419, OMIM 114480. Disease mechanism: loss of function.
Ataxia-telangiectasia syndrome (AT). Also called: Ataxia telangiectasia (A-T); LOUIS-BAR SYNDROME; Cerebello-oculocutaneous telangiectasia; Immunodeficiency with ataxia telangiectasia; Ataxia-telangiectasia, complementation group D; AT, COMPLEMENTATION GROUP C. Identifiers: Orphanet 100, MedGen C0004135, MONDO:0008840, OMIM 208900.
Hereditary cancer-predisposing syndrome. Also called: Hereditary neoplastic syndrome; Neoplastic Syndromes, Hereditary; Tumor predisposition; Hereditary Cancer Syndrome. Identifiers: Orphanet 140162, MedGen C0027672, MeSH D009386, MONDO:0015356.

Submissions (4):

Myriad Genetics, Inc.
Classification: Pathogenic for Familial cancer of breast. Last evaluated: 2024-01-11. Review status: criteria provided, single submitter. Criteria: Myriad Autosomal Dominant, Autosomal Recessive and X-Linked Classification Criteria (2023). Collection method: clinical testing. Allele origin: unknown.
Comment: This variant is considered pathogenic. This variant creates a frameshift predicted to result in premature protein truncation.

Ambry Genetics
Classification: Pathogenic for Hereditary cancer-predisposing syndrome. Last evaluated: 2022-04-28. Review status: criteria provided, single submitter. Criteria: Ambry Variant Classification Scheme 2023. Collection method: clinical testing. Allele origin: germline.
Comment: The c.992delA pathogenic mutation, located in coding exon 7 of the ATM gene, results from a deletion of one nucleotide at nucleotide position 992, causing a translational frameshift with a predicted alternate stop codon (p.K331Sfs*15). This variant is considered to be rare based on population cohorts in the Genome Aggregation Database (gnomAD). This alteration is expected to result in loss of function by premature protein truncation or nonsense-mediated mRNA decay. As such, this alteration is interpreted as a disease-causing mutation.

Labcorp Genetics (formerly Invitae), Labcorp
Classification: Pathogenic for Ataxia-telangiectasia syndrome. Last evaluated: 2022-01-20. Review status: criteria provided, single submitter. Criteria: Invitae Variant Classification Sherloc (09022015). Collection method: clinical testing. Allele origin: germline.
Comment: For these reasons, this variant has been classified as Pathogenic. ClinVar contains an entry for this variant (Variation ID: 407696). This variant has not been reported in the literature in individuals affected with ATM-related conditions. This variant is present in population databases (no rsID available, gnomAD 0.0009%). This sequence change creates a premature translational stop signal (p.Lys331Serfs*15) in the ATM gene. It is expected to result in an absent or disrupted protein product. Loss-of-function variants in ATM are known to be pathogenic (PMID: 23807571, 25614872).

Color Diagnostics, LLC DBA Color Health
Classification: Pathogenic for Hereditary cancer-predisposing syndrome. Last evaluated: 2020-01-15. Review status: criteria provided, single submitter. Criteria: ACMG Guidelines, 2015. Collection method: clinical testing. Allele origin: germline.
Comment: This variant deletes 1 nucleotide in exon 8 of the ATM gene, creating a frameshift and premature translation stop signal. This variant is expected to result in an absent or non-functional protein product. This variant has been identified in 1/251172 chromosomes in the general population by the Genome Aggregation Database (gnomAD). Loss of ATM function is a known mechanism of disease. Based on the available evidence, this variant is classified as Pathogenic.

Literature cited by the submitters: PubMed 23807571 (cited by Labcorp Genetics (formerly Invitae), Labcorp); PubMed 25614872 (cited by Labcorp Genetics (formerly Invitae), Labcorp).

NM_000051.4(ATM):c.992del (p.Lys331fs)

Gene: ATM (ATM serine/threonine kinase; plus strand). Cytogenetic location: 11q22.3.
Variant type: Deletion.
Coding change: c.992del on transcript NM_000051.4 (MANE Select); coding-DNA position 992, one base deleted (A; older notation c.992delA).
Protein change: p.Lys331fs; shifts the reading frame from lysine 331.
Molecular consequence: frameshift variant.
Genome position (GRCh38, 1-based): chr11:108,247,054, A deleted; the last of 3 consecutive A bases (chr11:108,247,052-108,247,054); deleting any one gives the same sequence. VCF-style (leftmost placement, unchanged base first): chr11-108247051-GA-G. GRCh37 (hg19) VCF-style: chr11-108117778-GA-G.
Other names: c.992delA (NM_000051.3); c.992del, p.Lys331fs (NM_001351834.2); short protein forms K331fs.
Identifiers: ClinVar variation 407696 (VCV000407696.14), dbSNP rs1060501684, ClinGen allele CA16613058.